The following is an entry in ClinVar:

NM_000213.5(ITGB4):c.5219-15A>T

Genes: GALK1 (galactokinase 1; minus strand), ITGB4 (integrin subunit beta 4; plus strand). Cytogenetic location: 17q25.1.
Variant type: single nucleotide variant.
Coding change: c.5219-15A>T on transcript NM_000213.5 (MANE Select); 15 bases into the intron before coding-DNA position 5219, A replaced by T.
Molecular consequence: intron variant.
Genome position (GRCh38, 1-based): chr17:75,757,185, A>T. VCF-style: chr17-75757185-A-T. GRCh37 (hg19) VCF-style: chr17-73753266-A-T.
Other names: c.5168-15A>T (NM_001005619.2); c.5009-15A>T (NM_001005731.3, NM_001321123.2); c.4859-15A>T (NM_001438834.1); c.*22+849T>A (NM_001381985.1).
Identifiers: ClinVar variation 889034 (VCV000889034.11), dbSNP rs142184100, ClinGen allele CA8770515.

ClinVar aggregate classification (germline): Benign/Likely benign. Review status: criteria provided, multiple submitters, no conflicts (2 of 4 stars). 3 submissions from 3 submitters: Benign (1); Likely benign (2). Last evaluated 2026-01-21.

Conditions:
Junctional epidermolysis bullosa with pyloric atresia. Also called: Junctional Epidermolysis Bullosa- Pyloric Atresia Syndrome; EPIDERMOLYSIS BULLOSA, JUNCTIONAL 5B, WITH PYLORIC ATRESIA; Epidermolysis bullosa, junctional, with pyloric atresia and aplasia cutis congenita; Epidermolysis bullosa junctionalis with pyloric atresia; APLASIA CUTIS CONGENITA WITH GASTROINTESTINAL ATRESIA; CARMI SYNDROME. Identifiers: Orphanet 79403, MedGen C5676875, MONDO:0009183, OMIM 226730.

Allele frequency attached by ClinVar (database versions not stated): TOPMed 0.00205; 1000 Genomes Project 30x 0.00125; 1000 Genomes Project 0.00100.
gnomAD v4.1: 5,170 of 1,611,374 alleles (0.32%); highest among the groups gnomAD compares: Non-Finnish European, 0.41%; 9 homozygotes.

Submissions (3):

Labcorp Genetics (formerly Invitae), Labcorp
Classification: Benign. Last evaluated: 2026-01-21. Review status: criteria provided, single submitter. Criteria: Invitae Variant Classification Sherloc (09022015). Collection method: clinical testing. Allele origin: germline.

Blueprint Genetics
Classification: Likely benign. Last evaluated: 2024-11-11. Review status: criteria provided, single submitter. Criteria: ACMG Guidelines, 2015. Collection method: clinical testing. Allele origin: germline.

Illumina Laboratory Services, Illumina
Classification: Likely benign for Junctional epidermolysis bullosa with pyloric atresia. Last evaluated: 2018-01-12. Review status: criteria provided, single submitter. Criteria: ICSL Variant Classification Criteria 13 December 2019. Collection method: clinical testing. Allele origin: germline.
Comment: This variant was observed in the ICSL laboratory as part of a predisposition screen in an ostensibly healthy population. It had not been previously curated by ICSL or reported in the Human Gene Mutation Database (HGMD: prior to June 1st, 2018), and was therefore a candidate for classification through an automated scoring system. Utilizing variant allele frequency, disease prevalence and penetrance estimates, and inheritance mode, an automated score was calculated to assess if this variant is too frequent to cause the disease. Based on the score and internal cut-off values, a variant classified as likely benign is not then subjected to further curation. The score for this variant resulted in a classification of likely benign for this disease.